The following is an entry in ClinVar:

NM_007294.4(BRCA1):c.5120T>C (p.Ile1707Thr)

Gene: BRCA1 (BRCA1 DNA repair associated; minus strand). Cytogenetic location: 17q21.31.
Variant type: single nucleotide variant.
Coding change: c.5120T>C on transcript NM_007294.4 (MANE Select); coding-DNA position 5120, T replaced by C.
Protein change: p.Ile1707Thr; replaces isoleucine 1707 with threonine.
Molecular consequence: missense variant. On other transcripts: non-coding transcript variant (1).
Genome position (GRCh38, 1-based): chr17:43,063,906, A>G on the plus strand (T>C on the coding strand, the complement: BRCA1 is on the minus strand). VCF-style: chr17-43063906-A-G. GRCh37 (hg19) VCF-style: chr17-41215923-A-G.
Other names: c.4658T>C, p.Ile1553Thr (NM_001407964.1); c.4613T>C, p.Ile1538Thr (NM_001407965.1); c.4232T>C, p.Ile1411Thr (NM_001407966.1); c.4229T>C, p.Ile1410Thr (NM_001407967.1); c.2516T>C, p.Ile839Thr (NM_001407968.1); c.2513T>C, p.Ile838Thr (NM_001407969.1); c.1877T>C, p.Ile626Thr (NM_001407970.1, NM_001407971.1); c.1808T>C, p.Ile603Thr (NM_001407981.1, NM_001407982.1, NM_001407983.1 and 13 more transcripts); and 71 more; short protein forms I1707T, I603T, I1660T, I1728T, I1579T, I1596T, I1617T, I1635T.
Identifiers: ClinVar variation 481464 (VCV000481464.18), dbSNP rs1064796143, ClinGen allele CA10591295.

ClinVar aggregate classification (germline): Uncertain significance. Review status: criteria provided, multiple submitters, no conflicts (2 of 4 stars). 3 submissions from 3 submitters: Uncertain significance (3). Last evaluated 2025-02-12.

Conditions:
Hereditary breast ovarian cancer syndrome. Also called: Breast and ovarian cancer; Hereditary breast and/or ovarian cancer syndrome; BRCA1- and BRCA2-Associated Hereditary Breast and Ovarian Cancer; Hereditary breast and ovarian cancer syndrome; Hereditary breast and ovarian cancer syndrome (HBOC); Hereditary breast and ovarian cancer. Identifiers: Orphanet 145, MedGen C0677776, MeSH D061325, MONDO:0003582. Disease mechanism: loss of function.
Hereditary cancer-predisposing syndrome. Also called: Tumor predisposition; Hereditary Cancer Syndrome; Hereditary neoplastic syndrome; Neoplastic Syndromes, Hereditary. Identifiers: Orphanet 140162, MedGen C0027672, MeSH D009386, MONDO:0015356.

Submissions (4):

Labcorp Genetics (formerly Invitae), Labcorp
Classification: Uncertain significance for Hereditary breast ovarian cancer syndrome. Last evaluated: 2025-02-12. Review status: criteria provided, single submitter. Criteria: Invitae Variant Classification Sherloc (09022015). Collection method: clinical testing. Allele origin: germline.
Comment: This sequence change replaces isoleucine, which is neutral and non-polar, with threonine, which is neutral and polar, at codon 1707 of the BRCA1 protein (p.Ile1707Thr). This variant is not present in population databases (gnomAD no frequency). This variant has not been reported in the literature in individuals affected with BRCA1-related conditions. ClinVar contains an entry for this variant (Variation ID: 481464). Invitae Evidence Modeling incorporating data from in vitro experimental studies (PMID: 30209399) indicates that this missense variant is not expected to disrupt BRCA1 function with a negative predictive value of 95%. In summary, the available evidence is currently insufficient to determine the role of this variant in disease. Therefore, it has been classified as a Variant of Uncertain Significance.

Ambry Genetics
Classification: Uncertain significance for Hereditary cancer-predisposing syndrome. Last evaluated: 2023-03-22. Review status: criteria provided, single submitter. Criteria: Ambry Variant Classification Scheme 2023. Collection method: clinical testing. Allele origin: germline.
Comment: The p.I1707T variant (also known as c.5120T>C), located in coding exon 16 of the BRCA1 gene, results from a T to C substitution at nucleotide position 5120. The isoleucine at codon 1707 is replaced by threonine, an amino acid with similar properties. This amino acid position is highly conserved in available vertebrate species. In addition, this alteration is predicted to be deleterious by in silico analysis. Since supporting evidence is limited at this time, the clinical significance of this alteration remains unclear.

Color Diagnostics, LLC DBA Color Health
Classification: Uncertain significance for Hereditary cancer-predisposing syndrome. Last evaluated: 2023-03-20. Review status: criteria provided, single submitter. Criteria: ACMG Guidelines, 2015. Collection method: clinical testing. Allele origin: germline.
Comment: This missense variant replaces isoleucine with threonine at codon 1707 of the BRCA1 protein. Computational prediction suggests that this variant may have deleterious impact on protein structure and function (internally defined REVEL score threshold >= 0.7, PMID: 27666373). Functional studies have reported that this variant resulted in intermediate function in a homology directed DNA repair assay and no impact in a haploid cell proliferation assay (PMID: 30209399, 35196514). This variant has been reported in one individual with likelihood ratio for pathogenicity based on personal and family cancer health history of 0.5476 (PMID: 31853058). This variant has not been identified in the general population by the Genome Aggregation Database (gnomAD). The available evidence is insufficient to determine the role of this variant in disease conclusively. Therefore, this variant is classified as a Variant of Uncertain Significance.

Brotman Baty Institute, University of Washington
No classification provided (evidence only). Condition: Breast-ovarian cancer, familial 1. Review status: no classification provided. Collection method: in vitro. Allele origin: not applicable. Functional consequence: functionally_normal. Not counted in ClinVar's aggregate classification.
ClinVar note: "not provided" was previously submitted as the classification for the variant. However, the classification appeared to be based only on an observation of functional data so it was converted to no classification on 2025-07-30.

Literature cited by the submitters: PubMed 30209399 (cited by Labcorp Genetics (formerly Invitae), Labcorp and Color Diagnostics, LLC DBA Color Health); PubMed 31853058 (cited by Color Diagnostics, LLC DBA Color Health); PubMed 35196514 (cited by Color Diagnostics, LLC DBA Color Health).